The following is an entry in ClinVar:

NM_025074.7(FRAS1):c.4635G>A (p.Pro1545=)

Gene: FRAS1 (Fraser extracellular matrix complex subunit 1; plus strand). Cytogenetic location: 4q21.21.
Variant type: single nucleotide variant.
Coding change: c.4635G>A on transcript NM_025074.7 (MANE Select); coding-DNA position 4635, G replaced by A.
Protein change: p.Pro1545=; no amino-acid change (proline 1545 retained).
Molecular consequence: synonymous variant.
Genome position (GRCh38, 1-based): chr4:78,421,957, G>A. VCF-style: chr4-78421957-G-A. GRCh37 (hg19) VCF-style: chr4-79343111-G-A.
Other names: p.Pro1545=; c.4635G>A, p.Pro1545= (NM_001166133.2).
Identifiers: ClinVar variation 261807 (VCV000261807.18), dbSNP rs78575519, ClinGen allele CA2977264.

ClinVar aggregate classification (germline): Benign. Review status: criteria provided, multiple submitters, no conflicts (2 of 4 stars). 7 submissions from 7 submitters: Benign (7). Last evaluated 2026-02-04.

Conditions:
Fraser syndrome 1 (FRASRS1). Also called: CRYPTOPHTHALMOS WITH OTHER MALFORMATIONS. Identifiers: Orphanet 2052, MedGen C4551480, MONDO:0054737, OMIM 219000.

Allele frequency attached by ClinVar (database versions not stated): 1000 Genomes Project 0.09904; 1000 Genomes Project 30x 0.10197; TOPMed 0.16688; gnomAD 0.17313 and 0.17765; gnomAD exomes 0.17675 and 0.22086; ExAC 0.17862; ESP Exome Variant Server 0.18821.
gnomAD v4.1: 347,192 of 1,612,866 alleles (22%); highest among the groups gnomAD compares: Non-Finnish European, 25%; 40,863 homozygotes.

Submissions (9):

Labcorp Genetics (formerly Invitae), Labcorp
Classification: Benign. Last evaluated: 2026-02-04. Review status: criteria provided, single submitter. Criteria: Invitae Variant Classification Sherloc (09022015). Collection method: clinical testing. Allele origin: germline.

Blueprint Genetics
Classification: Benign. Last evaluated: 2024-11-26. Review status: criteria provided, single submitter. Criteria: ACMG Guidelines, 2015. Collection method: clinical testing. Allele origin: germline.

Mayo Clinic Laboratories, Mayo Clinic
Classification: Benign. Last evaluated: 2022-03-09. Review status: criteria provided, single submitter. Criteria: ACMG Guidelines, 2015. Collection method: clinical testing. Allele origin: germline. Observed: 26 variant alleles.

Illumina Laboratory Services, Illumina
Classification: Benign for Fraser syndrome 1. Last evaluated: 2018-01-12. Review status: criteria provided, single submitter. Criteria: ICSL Variant Classification Criteria 13 December 2019. Collection method: clinical testing. Allele origin: germline.
Comment: This variant was observed in the ICSL laboratory as part of a predisposition screen in an ostensibly healthy population. It had not been previously curated by ICSL or reported in the Human Gene Mutation Database (HGMD: prior to June 1st, 2018), and was therefore a candidate for classification through an automated scoring system. Utilizing variant allele frequency, disease prevalence and penetrance estimates, and inheritance mode, an automated score was calculated to assess if this variant is too frequent to cause the disease. Based on the score and internal cut-off values, a variant classified as benign is not then subjected to further curation. The score for this variant resulted in a classification of benign for this disease.

GeneDx
Classification: Benign. Last evaluated: 2015-03-03. Review status: criteria provided, single submitter. Criteria: GeneDx Variant Classification Process June 2021. Collection method: clinical testing. Allele origin: germline. Affected: yes.

Breakthrough Genomics
Classification: Benign. Review status: criteria provided, single submitter. Criteria: ACMG Guidelines, 2015. Collection method: not provided. Allele origin: germline. Inheritance: Autosomal recessive inheritance. Affected: yes.

PreventionGenetics, part of Exact Sciences
Classification: Benign. Review status: criteria provided, single submitter. Criteria: ACMG Guidelines, 2015. Collection method: clinical testing. Allele origin: germline.

Dr. Peter K. Rogan Lab, Western University
No classification provided (evidence only). Condition: Uterine carcinosarcoma. Review status: no classification provided. Collection method: in vitro. Allele origin: not applicable. Functional consequence: retained intron. Not counted in ClinVar's aggregate classification.

Dr. Peter K. Rogan Lab, Western University
No classification provided (evidence only). Condition: Uterine carcinosarcoma. Review status: no classification provided. Collection method: in vitro. Allele origin: not applicable. Functional consequence: retained intron. Not counted in ClinVar's aggregate classification.